The following is an entry in ClinVar:

NM_000059.4(BRCA2):c.7667dup (p.Asn2556fs)

Gene: BRCA2 (BRCA2 DNA repair associated; plus strand). Cytogenetic location: 13q13.1.
Variant type: Duplication.
Coding change: c.7667dup on transcript NM_000059.4 (MANE Select); coding-DNA position 7667, one base duplicated (A; older notation c.7667dupA).
Protein change: p.Asn2556fs; shifts the reading frame from asparagine 2556.
Molecular consequence: frameshift variant.
Genome position (GRCh38, 1-based): chr13:32,357,791, A duplicated; the last of 5 consecutive A bases (chr13:32,357,787-32,357,791); duplicating any one gives the same sequence. VCF-style (leftmost placement, unchanged base first): chr13-32357786-C-CA. GRCh37 (hg19) VCF-style: chr13-32931923-C-CA.
Other names: 7895_7896insA; c.7667dupA (NM_000059.3); short protein forms N2556fs.
Identifiers: ClinVar variation 236283 (VCV000236283.5), dbSNP rs878853303, ClinGen allele CA10581592.

ClinVar aggregate classification (germline): Pathogenic. Review status: reviewed by expert panel (3 of 4 stars). 2 submissions from 2 submitters: Pathogenic (1). 1 of the submissions does not count toward it. Last evaluated 2016-04-22.

Conditions:
Breast-ovarian cancer, familial, susceptibility to, 2 (BROVCA2). Also called: BRCA2 Hereditary Breast and Ovarian Cancer. Identifiers: Orphanet 145, MedGen C2675520, MONDO:0012933, OMIM 612555. Disease mechanism: loss of function.

Submissions (2):

Evidence-based Network for the Interpretation of Germline Mutant Alleles (ENIGMA)
Classification: Pathogenic for Breast-ovarian cancer, familial, susceptibility to, 2. Last evaluated: 2016-04-22. Review status: reviewed by expert panel. Criteria: ENIGMA BRCA1/2 Classification Criteria (2015). Collection method: curation. Allele origin: germline.
Comment: Variant allele predicted to encode a truncated non-functional protein.

Consortium of Investigators of Modifiers of BRCA1/2 (CIMBA), c/o University of Cambridge
Classification: Pathogenic for Breast-ovarian cancer, familial, susceptibility to, 2. Last evaluated: 2015-10-02. Review status: criteria provided, single submitter. Criteria: CIMBA Mutation Classification guidelines May 2016. Collection method: clinical testing. Allele origin: germline. Not counted in ClinVar's aggregate classification.